The following is an entry in ClinVar:

ClinVar aggregate classification (germline): Likely benign (0 of 4 stars; one submission).

Conditions:
LRIG1-related disorder. Also called: LRIG1-related condition.

Allele frequency attached by ClinVar (database versions not stated): gnomAD 0.00005; TOPMed 0.00006; gnomAD exomes 0.00010; ExAC 0.00016; 1000 Genomes Project 30x 0.00031; 1000 Genomes Project 0.00040.
gnomAD v4.1: 163 of 1,614,188 alleles (0.01%); highest among the groups gnomAD compares: Middle Eastern, 0.31%; no homozygotes.

Submission:

PreventionGenetics, part of Exact Sciences
Classification: Likely benign for LRIG1-related condition. Last evaluated: 2019-02-21. Review status: no assertion criteria provided. Collection method: clinical testing. Allele origin: germline.
Comment: This variant is classified as likely benign based on ACMG/AMP sequence variant interpretation guidelines (Richards et al. 2015 PMID: 25741868, with internal and published modifications).

NM_015541.3(LRIG1):c.423A>G (p.Leu141=)

Gene: LRIG1 (leucine rich repeats and immunoglobulin like domains 1; minus strand). Cytogenetic location: 3p14.1.
Variant type: single nucleotide variant.
Coding change: c.423A>G on transcript NM_015541.3 (MANE Select); coding-DNA position 423, A replaced by G.
Protein change: p.Leu141=; no amino-acid change (leucine 141 retained).
Molecular consequence: synonymous variant. On other transcripts: 5 prime UTR variant (2).
Genome position (GRCh38, 1-based): chr3:66,417,209, T>C on the plus strand (A>G on the coding strand, the complement: LRIG1 is on the minus strand). VCF-style: chr3-66417209-T-C. GRCh37 (hg19) VCF-style: chr3-66467633-T-C.
Other names: c.348A>G, p.Leu116= (NM_001377344.1); c.-358A>G (NM_001377345.1, NM_001377346.1).
Identifiers: ClinVar variation 3041041 (VCV003041041.2), dbSNP rs200101213, ClinGen allele CA2485186.